The following is an entry in ClinVar:

ClinVar aggregate classification (germline): Uncertain significance (1 of 4 stars; one submission).

Conditions:
Hyperkalemic periodic paralysis. Also called: Familial hyperkalemic periodic paralysis; Gamstorp disease. Identifiers: Orphanet 682, MedGen C0238357, MONDO:0008224, OMIM 170500, HP:0007215.

Submission:

Labcorp Genetics (formerly Invitae), Labcorp
Classification: Uncertain significance for Hyperkalemic periodic paralysis. Last evaluated: 2025-10-22. Review status: criteria provided, single submitter. Criteria: Invitae Variant Classification Sherloc (09022015). Collection method: clinical testing. Allele origin: germline.
Comment: This sequence change falls in intron 21 of the SCN4A gene. It does not directly change the encoded amino acid sequence of the SCN4A protein. It affects a nucleotide within the consensus splice site. This variant is not present in population databases (gnomAD no frequency). This variant has not been reported in the literature in individuals affected with SCN4A-related conditions. ClinVar contains an entry for this variant (Variation ID: 3657251). Variants that disrupt the consensus splice site are a relatively common cause of aberrant splicing (PMID: 17576681, 9536098). Algorithms developed to predict the effect of sequence changes on RNA splicing suggest that this variant may disrupt the consensus splice site. In summary, the available evidence is currently insufficient to determine the role of this variant in disease. Therefore, it has been classified as a Variant of Uncertain Significance.

Literature cited by the submitters: PubMed 17576681; PubMed 9536098.

NM_000334.4(SCN4A):c.3912+6_3912+15del

Genes: GH-LCR (growth hormone locus control region; plus strand), SCN4A (sodium voltage-gated channel alpha subunit 4; minus strand). Cytogenetic location: 17q23.3.
Variant type: Deletion.
Coding change: c.3912+6_3912+15del on transcript NM_000334.4 (MANE Select); bases 6 to 15 of the intron after coding-DNA position 3912, 10 bases deleted (TATCAGCCCA; older notation c.3912+6_3912+15delTATCAGCCCA).
Molecular consequence: intron variant.
Genome position (GRCh38, 1-based): chr17:63,944,658-63,944,667, TGGGCTGATA deleted on the plus strand (TATCAGCCCA on the coding strand, the reverse complement: SCN4A is on the minus strand). VCF-style (leftmost placement, unchanged base first): chr17-63944657-CTGGGCTGATA-C. GRCh37 (hg19) VCF-style: chr17-62022017-CTGGGCTGATA-C.
Identifiers: ClinVar variation 3657251 (VCV003657251.2).
Genomic context (GRCh38, chr17:63,944,657, plus strand): 5'-GCAATGGAGAGTGGACAAAGGAGGCAGGAGGGAGGCCCAGCACCGGGAGGGCCCGAGGGG[CTGGGCTGATA>C]CTCATCTTCTTCTTCTGCTGGTTGAAGTTGTCAATGATGACGCCAATGAAGAGGTTGAGG-3'